The following is an entry in ClinVar:

ClinVar aggregate classification (germline): Uncertain significance (1 of 4 stars; one submission).

Conditions:
RAB3GAP2-related disorder. Also called: RAB3GAP2-related disorders; RAB3GAP2-related condition.

gnomAD v4.1: 2 of 1,591,990 alleles (0.00013%); highest among the groups gnomAD compares: Non-Finnish European, 0.00017%; no homozygotes.

Submission:

PreventionGenetics, part of Exact Sciences
Classification: Uncertain significance for RAB3GAP2-related condition. Last evaluated: 2026-03-12. Review status: criteria provided, single submitter. Criteria: ACMG Guidelines, 2015. Collection method: clinical testing. Allele origin: germline.
Comment: The RAB3GAP2 c.2206G>T variant is predicted to result in the amino acid substitution p.Ala736Ser. To our knowledge, this variant has not been reported in the literature or in a large population database (gnomAD), indicating this variant is rare. At this time, the clinical significance of this variant is uncertain due to the absence of conclusive functional and genetic evidence.

NM_012414.4(RAB3GAP2):c.2206G>T (p.Ala736Ser)

Gene: RAB3GAP2 (RAB3 GTPase activating non-catalytic protein subunit 2; minus strand). Cytogenetic location: 1q41.
Variant type: single nucleotide variant.
Coding change: c.2206G>T on transcript NM_012414.4 (MANE Select); coding-DNA position 2206, G replaced by T.
Protein change: p.Ala736Ser; replaces alanine 736 with serine.
Molecular consequence: missense variant.
Genome position (GRCh38, 1-based): chr1:220,182,724, C>A on the plus strand (G>T on the coding strand, the complement: RAB3GAP2 is on the minus strand). VCF-style: chr1-220182724-C-A. GRCh37 (hg19) VCF-style: chr1-220356066-C-A.
Other names: short protein forms A736S.
Identifiers: ClinVar variation 4990965 (VCV004990965.1).